The following is an entry in ClinVar:

ClinVar aggregate classification (germline): Likely benign (1 of 4 stars; one submission).

Conditions:
NRP2-related disorder. Also called: NRP2-related condition.

Submission:

PreventionGenetics, part of Exact Sciences
Classification: Likely benign for NRP2-related condition. Last evaluated: 2024-12-17. Review status: criteria provided, single submitter. Criteria: ACMG Guidelines, 2015. Collection method: clinical testing. Allele origin: germline.
Comment: This variant is classified as likely benign based on ACMG/AMP sequence variant interpretation guidelines (Richards et al. 2015 PMID: 25741868, with internal and published modifications).

NM_003872.3(NRP2):c.2425+9564G>A

Gene: NRP2 (neuropilin 2; plus strand). Cytogenetic location: 2q33.3.
Variant type: single nucleotide variant.
Coding change: c.2425+9564G>A on transcript NM_003872.3 (MANE Select); 9564 bases into the intron after coding-DNA position 2425, G replaced by A.
Molecular consequence: intron variant. On other transcripts: synonymous variant (2).
Genome position (GRCh38, 1-based): chr2:205,776,367, G>A. VCF-style: chr2-205776367-G-A. GRCh37 (hg19) VCF-style: chr2-206641091-G-A.
Other names: c.2562G>A, p.Ala854= (NM_018534.4); c.2547G>A, p.Ala849= (NM_201267.2); c.2440+9549G>A (NM_201266.2); c.2425+9564G>A (NM_201279.2).
Identifiers: ClinVar variation 4986508 (VCV004986508.1).
Genomic context (GRCh38, chr2:205,776,367, plus strand): 5'-AGCCTACTGGTATTACGTAATGGCCGCCGGGGGCGCCGTGCTGGTGCTGGTCTCCGTCGC[G>A]CTGGCCCTGGTGCTCCACTACCACCGGTTCCGCTATGCGGCCAAGAAGACCGATCACTCC-3'